The following is an entry in ClinVar:

ClinVar aggregate classification (germline): Uncertain significance (1 of 4 stars; one submission).

Submission:

Ambry Genetics
Classification: Uncertain significance. Last evaluated: 2025-07-28. Review status: criteria provided, single submitter. Criteria: Ambry Variant Classification Scheme 2023. Collection method: clinical testing. Allele origin: germline.
Comment: The p.D437V variant (also known as c.1310A>T), located in coding exon 1 of the MLH3 gene, results from an A to T substitution at nucleotide position 1310. The aspartic acid at codon 437 is replaced by valine, an amino acid with highly dissimilar properties. This amino acid position is conserved. In addition, this alteration is predicted to be tolerated by in silico analysis. Based on the available evidence, the clinical significance of this variant remains unclear.

NM_001040108.2(MLH3):c.1310A>T (p.Asp437Val)

Gene: MLH3 (mutL homolog 3; minus strand). Cytogenetic location: 14q24.3.
Variant type: single nucleotide variant.
Coding change: c.1310A>T on transcript NM_001040108.2 (MANE Select); coding-DNA position 1310, A replaced by T.
Protein change: p.Asp437Val; replaces aspartic acid 437 with valine.
Molecular consequence: missense variant.
Genome position (GRCh38, 1-based): chr14:75,048,346, T>A on the plus strand (A>T on the coding strand, the complement: MLH3 is on the minus strand). VCF-style: chr14-75048346-T-A. GRCh37 (hg19) VCF-style: chr14-75515049-T-A.
Other names: c.1310A>T, p.Asp437Val (NM_014381.3); short protein forms D437V.
Identifiers: ClinVar variation 4108649 (VCV004108649.1).